The following is an entry in ClinVar:

ClinVar aggregate classification (germline): Uncertain significance (1 of 4 stars; one submission).

Conditions:
Inborn genetic diseases. Identifiers: MedGen C0950123, MeSH D030342.

Submission:

Ambry Genetics
Classification: Uncertain significance for Inborn genetic diseases. Last evaluated: 2026-04-04. Review status: criteria provided, single submitter. Criteria: Ambry Variant Classification Scheme 2023. Collection method: clinical testing. Allele origin: germline.
Comment: The p.R381W variant (also known as c.1141A>T), located in coding exon 9 of the FANCG gene, results from an A to T substitution at nucleotide position 1141. The arginine at codon 381 is replaced by tryptophan, an amino acid with dissimilar properties. This amino acid position is conserved. In addition, this alteration is predicted to be tolerated by in silico analysis. Based on the available evidence, the clinical significance of this variant remains unclear.

NM_004629.2(FANCG):c.1141A>T (p.Arg381Trp)

Gene: FANCG (FA complementation group G; minus strand). Cytogenetic location: 9p13.3.
Variant type: single nucleotide variant.
Coding change: c.1141A>T on transcript NM_004629.2 (MANE Select); coding-DNA position 1141, A replaced by T.
Protein change: p.Arg381Trp; replaces arginine 381 with tryptophan.
Molecular consequence: missense variant.
Genome position (GRCh38, 1-based): chr9:35,075,964, T>A on the plus strand (A>T on the coding strand, the complement: FANCG is on the minus strand). VCF-style: chr9-35075964-T-A. GRCh37 (hg19) VCF-style: chr9-35075961-T-A.
Other names: short protein forms R381W.
Identifiers: ClinVar variation 4870985 (VCV004870985.1).
Genomic context (GRCh38, chr9:35,075,964, plus strand): 5'-TTCAAAGGGGACACCAACCCGTCTACCCCATTGCAGAGAAGCTTGAAGACACACCCACCC[T>A]TGGCTCCGAGCTATCCAGCAACAGGGCCAGCAGGTCCAAGTAATGCTCTGCAGCGTCTCC-3'
Protein context (NP_004620.1, residues 371-391): LALLLDSSEP[Arg381Trp]FSPPPSPPGP